The following is an entry in ClinVar:

NM_001009944.3(PKD1):c.9564C>G (p.Asn3188Lys)

Gene: PKD1 (polycystin 1, transient receptor potential channel interacting; minus strand). Cytogenetic location: 16p13.3.
Variant type: single nucleotide variant.
Coding change: c.9564C>G on transcript NM_001009944.3 (MANE Select); coding-DNA position 9564, C replaced by G.
Protein change: p.Asn3188Lys; replaces asparagine 3188 with lysine.
Molecular consequence: missense variant.
Genome position (GRCh38, 1-based): chr16:2,100,400, G>C on the plus strand (C>G on the coding strand, the complement: PKD1 is on the minus strand). VCF-style: chr16-2100400-G-C. GRCh37 (hg19) VCF-style: chr16-2150401-G-C.
Other names: c.9564C>G, p.Asn3188Lys (NM_000296.4); short protein forms N3188K.
Identifiers: ClinVar variation 4535967 (VCV004535967.1).
Genomic context (GRCh38, chr16:2,100,400, plus strand): 5'-GCAGGGCGCCCCAATGCGGGGGCAGAGGGGCAGAGCTTGGCAGGGTCCGCACAAACCTTT[G>C]TTGTCGTGCCACACTCGGATCTTCCACACGCTACCCAGGCTGTGCGGGGTGGCGATCCGG-3'
Protein context (NP_001009944.3, residues 3178-3198): SVWKIRVWHD[Asn3188Lys]KGLSPAWFLQ

ClinVar aggregate classification (germline): Uncertain significance (1 of 4 stars; one submission).

Submission:

Women's Health and Genetics/Laboratory Corporation of America, LabCorp
Classification: Uncertain significance. Last evaluated: 2025-09-30. Review status: criteria provided, single submitter. Criteria: LabCorp Variant Classification Summary - May 2015. Collection method: clinical testing. Allele origin: germline.
Comment: Variant summary: PKD1 c.9564C>G (p.Asn3188Lys) results in a non-conservative amino acid change in the encoded protein sequence. Algorithms developed to predict the effect of missense changes on protein structure and function all suggest that this variant is likely to be disruptive. The variant was absent in 249788 control chromosomes (gnomAD). The available data on variant occurrences in the general population are insufficient to allow any conclusion about variant significance. c.9564C>G has been observed in an individual(s) affected with Polycystic Kidney Disease who also had another co-occurring missense variant (Liu_2015). This report does not provide unequivocal conclusions about association of the variant with PKD1-Biallelic Autosomal Recessive Polycystic Kidney Disease or Polycystic Kidney Disease 1. To our knowledge, no experimental evidence demonstrating an impact on protein function has been reported. The following publication has been ascertained in the context of this evaluation (PMID: 26632257). No submitters have cited clinical-significance assessments for this variant to ClinVar. Based on the evidence outlined above, the variant was classified as uncertain significance.

Literature cited by the submitters: PubMed 26632257.